The following is an entry in ClinVar:

NM_001080.3(ALDH5A1):c.259C>G (p.Leu87Val)

Genes: ALDH5A1 (aldehyde dehydrogenase 5 family member A1; plus strand), GPLD1 (glycosylphosphatidylinositol specific phospholipase D1; minus strand), LOC129995978 (ATAC-STARR-seq lymphoblastoid silent region 16989; plus strand). Cytogenetic location: 6p22.3.
Variant type: single nucleotide variant.
Coding change: c.259C>G on transcript NM_001080.3 (MANE Select); coding-DNA position 259, C replaced by G.
Protein change: p.Leu87Val; replaces leucine 87 with valine.
Molecular consequence: missense variant.
Genome position (GRCh38, 1-based): chr6:24,495,255, C>G. VCF-style: chr6-24495255-C-G. GRCh37 (hg19) VCF-style: chr6-24495483-C-G.
Other names: c.259C>G, p.Leu87Val (NM_001368954.1, NM_170740.1); short protein forms L87V.
Identifiers: ClinVar variation 1374029 (VCV001374029.6), dbSNP rs1764671047, ClinGen allele CA362968547.

ClinVar aggregate classification (germline): Uncertain significance. Review status: criteria provided, multiple submitters, no conflicts (2 of 4 stars). 2 submissions from 2 submitters: Uncertain significance (2). Last evaluated 2025-01-09.

Conditions:
Inborn genetic diseases. Identifiers: MedGen C0950123, MeSH D030342.
Succinate-semialdehyde dehydrogenase deficiency (SSADHD). Also called: 4-HYDROXYBUTYRIC ACIDURIA; GABA METABOLIC DEFECT; SSADH DEFICIENCY; Succinic Semialdehyde Dehydrogenase Deficiency. Identifiers: Orphanet 22, MedGen C0268631, MONDO:0010083, OMIM 271980.

Allele frequency attached by ClinVar (database versions not stated): gnomAD 0.00001; gnomAD exomes 0.00001.
gnomAD v4.1: 13 of 1,529,600 alleles (0.00085%); highest among the groups gnomAD compares: African/African-American, 0.0028%; no homozygotes.

Submissions (2):

Ambry Genetics
Classification: Uncertain significance for Inborn genetic diseases. Last evaluated: 2025-01-09. Review status: criteria provided, single submitter. Criteria: Ambry Variant Classification Scheme 2023. Collection method: clinical testing. Allele origin: germline.

Labcorp Genetics (formerly Invitae), Labcorp
Classification: Uncertain significance for Succinate-semialdehyde dehydrogenase deficiency. Last evaluated: 2022-08-09. Review status: criteria provided, single submitter. Criteria: Invitae Variant Classification Sherloc (09022015). Collection method: clinical testing. Allele origin: germline.
Comment: This sequence change replaces leucine, which is neutral and non-polar, with valine, which is neutral and non-polar, at codon 87 of the ALDH5A1 protein (p.Leu87Val). This variant is not present in population databases (gnomAD no frequency). This variant has not been reported in the literature in individuals affected with ALDH5A1-related conditions. ClinVar contains an entry for this variant (Variation ID: 1374029). Advanced modeling of protein sequence and biophysical properties (such as structural, functional, and spatial information, amino acid conservation, physicochemical variation, residue mobility, and thermodynamic stability) performed at Invitae indicates that this missense variant is not expected to disrupt ALDH5A1 protein function. In summary, the available evidence is currently insufficient to determine the role of this variant in disease. Therefore, it has been classified as a Variant of Uncertain Significance.